The following is an entry in ClinVar:

ClinVar aggregate classification (germline): Uncertain significance (1 of 4 stars; one submission).

gnomAD v4.1: 2 of 1,567,710 alleles (0.00013%); highest among the groups gnomAD compares: Non-Finnish European, 0.00017%; no homozygotes.

Submission:

Labcorp Genetics (formerly Invitae), Labcorp
Classification: Uncertain significance. Last evaluated: 2025-09-02. Review status: criteria provided, single submitter. Criteria: Invitae Variant Classification Sherloc (09022015). Collection method: clinical testing. Allele origin: germline.
Comment: This sequence change replaces aspartic acid, which is acidic and polar, with glycine, which is neutral and non-polar, at codon 155 of the TGDS protein (p.Asp155Gly). This variant is present in population databases (rs753410304, gnomAD 0.0009%). This variant has not been reported in the literature in individuals affected with TGDS-related conditions. Invitae Evidence Modeling of protein sequence and biophysical properties (such as structural, functional, and spatial information, amino acid conservation, physicochemical variation, residue mobility, and thermodynamic stability) indicates that this missense variant is not expected to disrupt TGDS protein function with a negative predictive value of 80%. In summary, the available evidence is currently insufficient to determine the role of this variant in disease. Therefore, it has been classified as a Variant of Uncertain Significance.

NM_014305.4(TGDS):c.464A>G (p.Asp155Gly)

Gene: TGDS (TDP-glucose 4,6-dehydratase; minus strand). Cytogenetic location: 13q32.1.
Variant type: single nucleotide variant.
Coding change: c.464A>G on transcript NM_014305.4 (MANE Select); coding-DNA position 464, A replaced by G.
Protein change: p.Asp155Gly; replaces aspartic acid 155 with glycine.
Molecular consequence: missense variant. On other transcripts: non-coding transcript variant (2).
Genome position (GRCh38, 1-based): chr13:94,581,182, T>C on the plus strand (A>G on the coding strand, the complement: TGDS is on the minus strand). VCF-style: chr13-94581182-T-C. GRCh37 (hg19) VCF-style: chr13-95233436-T-C.
Other names: c.368A>G, p.Asp123Gly (NM_001304430.2); short protein forms D123G, D155G.
Identifiers: ClinVar variation 4704172 (VCV004704172.1).